The following is an entry in ClinVar:

NM_001367561.1(DOCK7):c.4303G>T (p.Ala1435Ser)

Gene: DOCK7 (dedicator of cytokinesis 7; minus strand). Cytogenetic location: 1p31.3.
Variant type: single nucleotide variant.
Coding change: c.4303G>T on transcript NM_001367561.1 (MANE Select); coding-DNA position 4303, G replaced by T.
Protein change: p.Ala1435Ser; replaces alanine 1435 with serine.
Molecular consequence: missense variant.
Genome position (GRCh38, 1-based): chr1:62,510,653, C>A on the plus strand (G>T on the coding strand, the complement: DOCK7 is on the minus strand). VCF-style: chr1-62510653-C-A. GRCh37 (hg19) VCF-style: chr1-62976324-C-A.
Other names: c.4276G>T, p.Ala1426Ser (NM_001271999.2, NM_001330614.2); c.4183G>T, p.Ala1395Ser (NM_001272000.2, NM_001272001.2); c.4210G>T, p.Ala1404Ser (NM_033407.4); short protein forms A1404S, A1426S, A1395S, A1435S.
Identifiers: ClinVar variation 2063788 (VCV002063788.3), dbSNP rs1257521226, ClinGen allele CA340622864.

ClinVar aggregate classification (germline): Uncertain significance (1 of 4 stars; one submission).

Conditions:
Developmental and epileptic encephalopathy, 23 (DEE23). Also called: Epileptic encephalopathy, early infantile, 23. Identifiers: Orphanet 411986, MedGen C4014492, MONDO:0014371, OMIM 615859.

Allele frequency attached by ClinVar (database versions not stated): TOPMed below 0.00001; gnomAD 0.00001; gnomAD exomes 0.00001.
gnomAD v4.1: 9 of 1,613,010 alleles (0.00056%); highest among the groups gnomAD compares: Non-Finnish European, 0.00076%; no homozygotes.

Submission:

Labcorp Genetics (formerly Invitae), Labcorp
Classification: Uncertain significance for Developmental and epileptic encephalopathy, 23. Last evaluated: 2022-04-15. Review status: criteria provided, single submitter. Criteria: Invitae Variant Classification Sherloc (09022015). Collection method: clinical testing. Allele origin: germline.
Comment: Algorithms developed to predict the effect of missense changes on protein structure and function (SIFT, PolyPhen-2, Align-GVGD) all suggest that this variant is likely to be tolerated. This sequence change replaces alanine, which is neutral and non-polar, with serine, which is neutral and polar, at codon 1426 of the DOCK7 protein (p.Ala1426Ser). This variant is present in population databases (no rsID available, gnomAD 0.0009%). This variant has not been reported in the literature in individuals affected with DOCK7-related conditions. In summary, the available evidence is currently insufficient to determine the role of this variant in disease. Therefore, it has been classified as a Variant of Uncertain Significance.